The following is an entry in ClinVar:

NM_014989.7(RIMS1):c.2584C>A (p.Pro862Thr)

Gene: RIMS1 (regulating synaptic membrane exocytosis 1; plus strand). Cytogenetic location: 6q13.
Variant type: single nucleotide variant.
Coding change: c.2584C>A on transcript NM_014989.7 (MANE Select); coding-DNA position 2584, C replaced by A.
Protein change: p.Pro862Thr; replaces proline 862 with threonine.
Molecular consequence: missense variant.
Genome position (GRCh38, 1-based): chr6:72,251,254, C>A. VCF-style: chr6-72251254-C-A. GRCh37 (hg19) VCF-style: chr6-72960957-C-A.
Other names: c.1006C>A, p.Pro336Thr (NM_001168407.2, NM_001168408.2, NM_001350414.2 and 37 more transcripts); c.763C>A, p.Pro255Thr (NM_001168409.2, NM_001350461.2, NM_001350463.2 and 6 more transcripts); c.961C>A, p.Pro321Thr (NM_001168410.2, NM_001350470.2, NM_001350472.2 and 2 more transcripts); c.937C>A, p.Pro313Thr (NM_001350421.2, NM_001350424.2, NM_001350428.2 and 6 more transcripts); short protein forms P255T, P313T, P321T, P336T, P862T.
Identifiers: ClinVar variation 1002354 (VCV001002354.10), dbSNP rs762763754, ClinGen allele CA3885989.

ClinVar aggregate classification (germline): Uncertain significance (1 of 4 stars; one submission).

Allele frequency attached by ClinVar (database versions not stated): ExAC below 0.00001.
gnomAD v4.1: 5 of 1,598,550 alleles (0.00031%); highest among the groups gnomAD compares: East Asian, 0.0023%; no homozygotes.

Submission:

Labcorp Genetics (formerly Invitae), Labcorp
Classification: Uncertain significance. Last evaluated: 2022-02-03. Review status: criteria provided, single submitter. Criteria: Invitae Variant Classification Sherloc (09022015). Collection method: clinical testing. Allele origin: germline.
Comment: In summary, the available evidence is currently insufficient to determine the role of this variant in disease. Therefore, it has been classified as a Variant of Uncertain Significance. Algorithms developed to predict the effect of missense changes on protein structure and function are either unavailable or do not agree on the potential impact of this missense change (SIFT: "Tolerated"; PolyPhen-2: "Probably Damaging"; Align-GVGD: "Class C0"). This sequence change replaces proline, which is neutral and non-polar, with threonine, which is neutral and polar, at codon 862 of the RIMS1 protein (p.Pro862Thr). This variant is not present in population databases (gnomAD no frequency). This variant has not been reported in the literature in individuals affected with RIMS1-related conditions. ClinVar contains an entry for this variant (Variation ID: 1002354).